The following is an entry in ClinVar:

NM_001159699.2(FHL1):c.353A>T (p.Lys118Met)

Gene: FHL1 (four and a half LIM domains 1; plus strand). Cytogenetic location: Xq26.3.
Variant type: single nucleotide variant.
Coding change: c.353A>T on transcript NM_001159699.2 (MANE Select); coding-DNA position 353, A replaced by T.
Protein change: p.Lys118Met; replaces lysine 118 with methionine.
Molecular consequence: missense variant. On other transcripts: non-coding transcript variant (1).
Genome position (GRCh38, 1-based): chrX:136,207,164, A>T. VCF-style: chrX-136207164-A-T. GRCh37 (hg19) VCF-style: chrX-135289323-A-T.
Other names: c.305A>T, p.Lys102Met (NM_001159700.2, NM_001159702.3, NM_001159703.2 and 9 more transcripts); c.392A>T, p.Lys131Met (NM_001159701.2); c.353A>T, p.Lys118Met (NM_001330659.2); short protein forms K131M, K102M, K118M.
Identifiers: ClinVar variation 1393865 (VCV001393865.6), dbSNP rs1311888697, ClinGen allele CA414608218.
Genomic context (GRCh38, chrX:136,207,164, plus strand): 5'-CCAAGGACAACAAGATCCTGTGCAACAAGTGCACCACTCGGGAGGACTCCCCCAAGTGCA[A>T]GGGGTGCTTCAAGGCCATTGTGGCAGGTACTGCCTCCTTCCCACCCCGGGTTCCCAGGGA-3'
Protein context (NP_001153171.1, residues 108-128): CTTREDSPKC[Lys118Met]GCFKAIVAGD

ClinVar aggregate classification (germline): Uncertain significance (1 of 4 stars; one submission).

Conditions:
X-linked myopathy with postural muscle atrophy. Also called: FHL1-Related Emery-Dreifuss Muscular Dystrophy, X-Linked. Identifiers: Orphanet 178461, MedGen C2678055, MONDO:0010401, OMIM 300696.

gnomAD v4.1: 10 of 1,207,866 alleles (0.00083%); highest among the groups gnomAD compares: Non-Finnish European, 0.0011%; no homozygotes.

Submission:

Labcorp Genetics (formerly Invitae), Labcorp
Classification: Uncertain significance for X-linked myopathy with postural muscle atrophy. Last evaluated: 2025-10-07. Review status: criteria provided, single submitter. Criteria: Invitae Variant Classification Sherloc (09022015). Collection method: clinical testing. Allele origin: germline.
Comment: This sequence change replaces lysine, which is basic and polar, with methionine, which is neutral and non-polar, at codon 102 of the FHL1 protein (p.Lys102Met). This variant is not present in population databases (gnomAD no frequency). This variant has not been reported in the literature in individuals affected with FHL1-related conditions. ClinVar contains an entry for this variant (Variation ID: 1393865). An algorithm developed to predict the effect of missense changes on protein structure and function (PolyPhen-2) suggests that this variant is likely to be disruptive. In summary, the available evidence is currently insufficient to determine the role of this variant in disease. Therefore, it has been classified as a Variant of Uncertain Significance.